The following is an entry in ClinVar:

NM_018896.5(CACNA1G):c.3228G>T (p.Glu1076Asp)

Gene: CACNA1G (calcium voltage-gated channel subunit alpha1 G; plus strand). Cytogenetic location: 17q21.33.
Variant type: single nucleotide variant.
Coding change: c.3228G>T on transcript NM_018896.5 (MANE Select); coding-DNA position 3228, G replaced by T.
Protein change: p.Glu1076Asp; replaces glutamic acid 1076 with aspartic acid.
Molecular consequence: missense variant. On other transcripts: non-coding transcript variant (5).
Genome position (GRCh38, 1-based): chr17:50,596,893, G>T. VCF-style: chr17-50596893-G-T. GRCh37 (hg19) VCF-style: chr17-48674254-G-T.
Other names: c.3228G>T, p.Glu1076Asp (NM_001256331.2, NM_001256333.2, NM_001256334.2 and 16 more transcripts); c.3159G>T, p.Glu1053Asp (NM_001256332.2, NM_198376.3, NM_198379.3 and 5 more transcripts); short protein forms E1053D, E1076D.
Identifiers: ClinVar variation 4685093 (VCV004685093.1).

ClinVar aggregate classification (germline): Uncertain significance (1 of 4 stars; one submission).

gnomAD v4.1: 16 of 1,573,886 alleles (0.001%); highest among the groups gnomAD compares: Admixed American, 0.0018%; no homozygotes.

Submission:

GeneDx
Classification: Uncertain significance. Last evaluated: 2025-07-11. Review status: criteria provided, single submitter. Criteria: GeneDx Variant Classification Process June 2021. Collection method: clinical testing. Allele origin: germline. Affected: yes.
Comment: In silico analysis suggests that this missense variant does not alter protein structure/function; Has not been previously published as pathogenic or benign to our knowledge